The following is an entry in ClinVar:

ClinVar aggregate classification (germline): Likely benign. Review status: criteria provided, multiple submitters, no conflicts (2 of 4 stars). 2 submissions from 2 submitters: Likely benign (2). Last evaluated 2025-01-19.

Conditions:
Hereditary antithrombin deficiency (AT3D). Also called: Antithrombin III deficiency; Thrombophilia due to antithrombin III deficiency; Antithrombin deficiency; Reduced antithrombin III activity. Identifiers: Orphanet 82, MedGen C0272375, MONDO:0013144, OMIM 613118, HP:0001976.

Allele frequency attached by ClinVar (database versions not stated): ExAC 0.00001; gnomAD 0.00003; gnomAD exomes 0.00006; TOPMed 0.00006.

Submissions (2):

Labcorp Genetics (formerly Invitae), Labcorp
Classification: Likely benign for Hereditary antithrombin deficiency. Last evaluated: 2025-01-19. Review status: criteria provided, single submitter. Criteria: Invitae Variant Classification Sherloc (09022015). Collection method: clinical testing. Allele origin: germline.

Mayo Clinic Laboratories, Mayo Clinic
Classification: Likely benign. Last evaluated: 2024-09-30. Review status: criteria provided, single submitter. Criteria: ACMG Guidelines, 2015. Collection method: clinical testing. Allele origin: germline. Observed: 1 variant allele.
Comment: BP4, BP7, PM2_supporting

NM_000488.4(SERPINC1):c.370C>T (p.Leu124=)

Gene: SERPINC1 (serpin family C member 1; minus strand). Cytogenetic location: 1q25.1.
Variant type: single nucleotide variant.
Coding change: c.370C>T on transcript NM_000488.4 (MANE Select); coding-DNA position 370, C replaced by T.
Protein change: p.Leu124=; no amino-acid change (leucine 124 retained).
Molecular consequence: synonymous variant.
Genome position (GRCh38, 1-based): chr1:173,914,591, G>A on the plus strand (C>T on the coding strand, the complement: SERPINC1 is on the minus strand). VCF-style: chr1-173914591-G-A. GRCh37 (hg19) VCF-style: chr1-173883729-G-A.
Other names: p.Leu124=; c.226C>T, p.Leu76= (NM_001365052.2); c.370C>T, p.Leu124= (NM_001386302.1, NM_001386304.1, NM_001386305.1 and 1 more transcripts); c.451C>T, p.Leu151= (NM_001386303.1).
Identifiers: ClinVar variation 2145512 (VCV002145512.5), dbSNP rs758698144, ClinGen allele CA1251433.